The following is an entry in ClinVar:

NM_201384.3(PLEC):c.10296C>A (p.Ala3432=)

Gene: PLEC (plectin; minus strand). Cytogenetic location: 8q24.3.
Variant type: single nucleotide variant.
Coding change: c.10296C>A on transcript NM_201384.3 (MANE Select); coding-DNA position 10296, C replaced by A.
Protein change: p.Ala3432=; no amino-acid change (alanine 3432 retained).
Molecular consequence: synonymous variant.
Genome position (GRCh38, 1-based): chr8:143,919,525, G>T on the plus strand (C>A on the coding strand, the complement: PLEC is on the minus strand). VCF-style: chr8-143919525-G-T. GRCh37 (hg19) VCF-style: chr8-144993693-G-T.
Other names: c.10377C>A, p.Ala3459= (NM_000445.5); c.10254C>A, p.Ala3418= (NM_201378.4); c.10230C>A, p.Ala3410= (NM_201379.3); c.10707C>A, p.Ala3569= (NM_201380.4); c.10200C>A, p.Ala3400= (NM_201381.3); c.10296C>A, p.Ala3432= (NM_201382.4); c.10308C>A, p.Ala3436= (NM_201383.3).
Identifiers: ClinVar variation 284583 (VCV000284583.42), dbSNP rs201848957, ClinGen allele CA4924695.

ClinVar aggregate classification (germline): Benign/Likely benign. Review status: criteria provided, multiple submitters, no conflicts (2 of 4 stars). 6 submissions from 6 submitters: Benign (2); Likely benign (3). 1 of the submissions does not count toward it. Last evaluated 2026-01-27.

Conditions:
PLEC-related disorder. Also called: PLEC-related condition; PLEC-related disorders.
Autosomal recessive limb-girdle muscular dystrophy type 2Q (LGMDR17). Also called: MUSCULAR DYSTROPHY, LIMB-GIRDLE, AUTOSOMAL RECESSIVE 17. Identifiers: Orphanet 254361, MedGen C3150989, MONDO:0013390, OMIM 613723.
Epidermolysis bullosa simplex with nail dystrophy (EBS5D). Identifiers: MedGen C4225309, MONDO:0014661, OMIM 616487.
Epidermolysis bullosa simplex 5C, with pyloric atresia (EBS5C). Also called: PLEC-Related Epidermolysis Bullosa with Pyloric Atresia; PLEC1-Related Epidermolysis Bullosa with Pyloric Atresia; Epidermolysis bullosa simplex with pyloric atresia. Identifiers: Orphanet 158684, MedGen C2677349, MONDO:0012807, OMIM 612138.
Epidermolysis bullosa simplex, Ogna type (EBS5A). Also called: Pidermolysis bullosa simplex 5A, Ogna type; EPIDERMOLYSIS BULLOSA SIMPLEX 5A, OGNA TYPE. Identifiers: Orphanet 79401, MedGen C0432317, MONDO:0007555, OMIM 131950.
Epidermolysis bullosa simplex 5B, with muscular dystrophy (EBS5B). Also called: Epidermolysis bullosa simplex with muscular dystrophy; EPIDERMOLYSIS BULLOSA SIMPLEX AND LIMB-GIRDLE MUSCULAR DYSTROPHY. Identifiers: Orphanet 257, MedGen C2931072, MONDO:0009181, OMIM 226670.

Allele frequency attached by ClinVar (database versions not stated): ESP Exome Variant Server 0.00147; TOPMed 0.00160; 1000 Genomes Project 30x 0.00172; 1000 Genomes Project 0.00180.
gnomAD v4.1: 442 of 1,611,740 alleles (0.027%); highest among the groups gnomAD compares: African/African-American, 0.53%; 2 homozygotes.

Submissions (6):

Labcorp Genetics (formerly Invitae), Labcorp
Classification: Benign for Autosomal recessive limb-girdle muscular dystrophy type 2Q; Epidermolysis bullosa simplex, Ogna type; Epidermolysis bullosa simplex with nail dystrophy; Epidermolysis bullosa simplex 5C, with pyloric atresia; Epidermolysis bullosa simplex 5B, with muscular dystrophy. Last evaluated: 2026-01-27. Review status: criteria provided, single submitter. Criteria: Invitae Variant Classification Sherloc (09022015). Collection method: clinical testing. Allele origin: germline.

Blueprint Genetics
Classification: Likely benign. Last evaluated: 2024-09-06. Review status: criteria provided, single submitter. Criteria: ACMG Guidelines, 2015. Collection method: clinical testing. Allele origin: germline.

CeGaT Center for Human Genetics Tuebingen
Classification: Likely benign. Last evaluated: 2023-04-01. Review status: criteria provided, single submitter. Criteria: CeGaT Center For Human Genetics Tuebingen Variant Classification Criteria Version 2. Collection method: clinical testing. Allele origin: germline. Affected: yes. Observed: 1 variant allele.
Comment: PLEC: BP4, BP7

GeneDx
Classification: Likely benign. Last evaluated: 2021-06-24. Review status: criteria provided, single submitter. Criteria: GeneDx Variant Classification Process June 2021. Collection method: clinical testing. Allele origin: germline. Affected: yes.

Eurofins Ntd Llc (ga)
Classification: Benign. Last evaluated: 2015-12-22. Review status: criteria provided, single submitter. Criteria: EGL Classification Definitions 2015. Collection method: clinical testing. Allele origin: germline. Observed: 2 variant alleles, 2 heterozygotes.

PreventionGenetics, part of Exact Sciences
Classification: Likely benign for PLEC-related condition. Last evaluated: 2023-12-15. Review status: no assertion criteria provided. Collection method: clinical testing. Allele origin: germline. Not counted in ClinVar's aggregate classification.
Comment: This variant is classified as likely benign based on ACMG/AMP sequence variant interpretation guidelines (Richards et al. 2015 PMID: 25741868, with internal and published modifications).